The following is an entry in ClinVar:

NM_001356.5(DDX3X):c.45+331dup

Gene: DDX3X (DEAD-box helicase 3 X-linked; plus strand). Cytogenetic location: Xp11.4.
Variant type: Duplication.
Coding change: c.45+331dup on transcript NM_001356.5 (MANE Select); 331 bases into the intron after coding-DNA position 45, one base duplicated (G; older notation c.45+331dupG).
Molecular consequence: intron variant.
Genome position (GRCh38, 1-based): chrX:41,334,628, G duplicated; the last of 7 consecutive G bases (chrX:41,334,622-41,334,628); duplicating any one gives the same sequence. VCF-style (leftmost placement, unchanged base first): chrX-41334621-T-TG. GRCh37 (hg19) VCF-style: chrX-41193874-T-TG.
Other names: c.45+331dup (NM_001193416.3, NM_001193417.3); c.-1859+331dup (NM_001363819.1).
Identifiers: ClinVar variation 2660336 (VCV002660336.24), dbSNP rs759249990, ClinGen allele CA10389302.
Genomic context (GRCh38, chrX:41,334,621, plus strand): 5'-GAGGAAGTGCGCGCGCTCTCGCGGGGACGCGCATGCGCGAATCCCGACTGATTAGTGACC[T>TG]GGGGGGGTTTGCGGGAGTGCGCAGCGCGGCGGGACGCGACTGGAGGCCCTTTTGGCTTGG-3'

ClinVar aggregate classification (germline): Likely benign (1 of 4 stars; one submission).

Submission:

CeGaT Center for Human Genetics Tuebingen
Classification: Likely benign. Last evaluated: 2024-01-01. Review status: criteria provided, single submitter. Criteria: CeGaT Center For Human Genetics Tuebingen Variant Classification Criteria Version 2. Collection method: clinical testing. Allele origin: germline. Affected: yes. Observed: 3 variant alleles.
Comment: DDX3X: BS2